The following is an entry in ClinVar:

NM_003072.5(SMARCA4):c.1081C>G (p.Leu361Val)

Gene: SMARCA4 (SWI/SNF related BAF chromatin remodeling complex subunit ATPase 4; plus strand). Cytogenetic location: 19p13.2.
Variant type: single nucleotide variant.
Coding change: c.1081C>G on transcript NM_003072.5 (MANE Select); coding-DNA position 1081, C replaced by G.
Protein change: p.Leu361Val; replaces leucine 361 with valine.
Molecular consequence: missense variant. On other transcripts: non-coding transcript variant (1).
Genome position (GRCh38, 1-based): chr19:10,987,887, C>G. VCF-style: chr19-10987887-C-G. GRCh37 (hg19) VCF-style: chr19-11098563-C-G.
Other names: c.1081C>G, p.Leu361Val (NM_001128844.3, NM_001128845.2, NM_001128846.2 and 6 more transcripts); short protein forms L361V.
Identifiers: ClinVar variation 4864808 (VCV004864808.1).

ClinVar aggregate classification (germline): Uncertain significance (1 of 4 stars; one submission).

Conditions:
Hereditary cancer-predisposing syndrome. Also called: Neoplastic Syndromes, Hereditary; Tumor predisposition; Hereditary Cancer Syndrome; Hereditary neoplastic syndrome. Identifiers: Orphanet 140162, MedGen C0027672, MeSH D009386, MONDO:0015356.

gnomAD v4.1: 1 of 1,613,002 alleles (0.000062%); highest among the groups gnomAD compares: Non-Finnish European, 0.000085%; no homozygotes.

Submission:

Ambry Genetics
Classification: Uncertain significance for Hereditary cancer-predisposing syndrome. Last evaluated: 2026-06-14. Review status: criteria provided, single submitter. Criteria: Ambry Variant Classification Scheme 2023. Collection method: clinical testing. Allele origin: germline.
Comment: The p.L361V variant (also known as c.1081C>G), located in coding exon 5 of the SMARCA4 gene, results from a C to G substitution at nucleotide position 1081. The leucine at codon 361 is replaced by valine, an amino acid with highly similar properties. This amino acid position is conserved. In addition, the in silico prediction for this alteration is inconclusive. Based on the available evidence, the clinical significance of this variant remains unclear.